The following is an entry in ClinVar:

NM_000540.3(RYR1):c.7117G>A (p.Gly2373Ser)

Gene: RYR1 (ryanodine receptor 1; plus strand). Cytogenetic location: 19q13.2.
Variant type: single nucleotide variant.
Coding change: c.7117G>A on transcript NM_000540.3 (MANE Select); coding-DNA position 7117, G replaced by A.
Protein change: p.Gly2373Ser; replaces glycine 2373 with serine.
Molecular consequence: missense variant.
Genome position (GRCh38, 1-based): chr19:38,499,724, G>A. VCF-style: chr19-38499724-G-A. GRCh37 (hg19) VCF-style: chr19-38990364-G-A.
Other names: c.7117G>A, p.Gly2373Ser (NM_001042723.2); short protein forms G2373S.
Identifiers: ClinVar variation 3074971 (VCV003074971.1), dbSNP rs1162246927, ClinGen allele CA405668188.
Genomic context (GRCh38, chr19:38,499,724, plus strand): 5'-GTGGTGCGGCTGCTCATCCGGAAGCCTGAGTGCTTCGGACCCGCCCTGCGGGGTGAGGGT[G>A]GCTCAGGGCTGCTGGCTGCCATCGAAGAGGCCATCCGCATCTCCGAGGACCCTGCGAGGG-3'
Protein context (NP_000531.2, residues 2363-2383): CFGPALRGEG[Gly2373Ser]SGLLAAIEEA

ClinVar aggregate classification (germline): Uncertain significance (1 of 4 stars; one submission).

Conditions:
Malignant hyperthermia, susceptibility to, 1 (MHS1). Also called: Anesthesia related hyperthermia; Malignant hyperpyrexia; Fulminating hyperpyrexia; Pharmacogenic myopathy; RYR1-Related Malignant Hyperthermia Susceptibility; Malignant hyperthermia suceptibility 1. Identifiers: Orphanet 423, MedGen C2930980, MONDO:0007783, OMIM 145600.

Submission:

All of Us Research Program, National Institutes of Health
Classification: Uncertain significance for Malignant hyperthermia, susceptibility to, 1. Last evaluated: 2024-01-11. Review status: criteria provided, single submitter. Criteria: ACMG Guidelines, 2015. Collection method: clinical testing. Allele origin: germline. Inheritance: Autosomal dominant inheritance. Observed: 1 variant allele, 1 heterozygote.
Comment: This study involves interpretation of variants in research participants for the purpose of population health screening. Participant phenotype was not available at the time of variant classification. Additional details can be found in publication PMID: 35346344, PMCID: PMC8962531